The following is an entry in ClinVar:

ClinVar aggregate classification (germline): Conflicting classifications of pathogenicity. Review status: criteria provided, conflicting classifications (1 of 4 stars). 16 submissions from 14 submitters: Uncertain significance (1); Benign (7); Likely benign (5). 3 of the submissions do not count toward it. Last evaluated 2026-09-01.

Conditions:
ABCC9-related disorder. Also called: ABCC9-related disorders; ABCC9-related condition.
Brugada syndrome. Also called: Sudden Unexplained Death Syndrome; Sudden Unexplained Nocturnal Death Syndrome (SUNDS); Sudden unexpected nocturnal death syndrome; Sudden unexplained nocturnal death syndrome. Identifiers: Orphanet 130, MedGen C1142166, MONDO:0015263.
Cardiomyopathy (CMYO). Also called: Cardiomyopathies. Identifiers: Orphanet 167848, MedGen C0878544, MONDO:0004994, HP:0001638. Inheritance: Various modes of inheritance.
Hypertrichotic osteochondrodysplasia Cantu type. Also called: Cantú Syndrome; Cantu Syndrome. Identifiers: Orphanet 1517, MedGen C0795905, MONDO:0009406, OMIM 239850.
Dilated cardiomyopathy 1O (CMD1O). Also called: CARDIOMYOPATHY, DILATED, WITH VENTRICULAR TACHYCARDIA. Identifiers: Orphanet 154, MedGen C1837839, MONDO:0012062, OMIM 608569.

Allele frequency attached by ClinVar (database versions not stated): TOPMed 0.00265; ESP Exome Variant Server 0.00277; gnomAD exomes 0.00414 and 0.00243; 1000 Genomes Project 0.00080; ExAC 0.00246; 1000 Genomes Project 30x 0.00062; gnomAD 0.00261.
gnomAD v4.1: 6,221 of 1,578,250 alleles (0.39%); highest among the groups gnomAD compares: Non-Finnish European, 0.5%; 15 homozygotes.

Submissions (16):

CeGaT Center for Human Genetics Tuebingen
Classification: Likely benign. Last evaluated: 2026-09-01. Review status: criteria provided, single submitter. Criteria: CeGaT Center For Human Genetics Tuebingen Variant Classification Criteria Version 2. Collection method: clinical testing. Allele origin: germline. Affected: yes. Observed: 18 variant alleles.
Comment: ABCC9: BP4, BS2

Labcorp Genetics (formerly Invitae), Labcorp
Classification: Benign for Dilated cardiomyopathy 1O. Last evaluated: 2026-01-28. Review status: criteria provided, single submitter. Criteria: Invitae Variant Classification Sherloc (09022015). Collection method: clinical testing. Allele origin: germline.

Blueprint Genetics
Classification: Likely benign. Last evaluated: 2024-11-25. Review status: criteria provided, single submitter. Criteria: ACMG Guidelines, 2015. Collection method: clinical testing. Allele origin: germline.

ARUP Laboratories, Molecular Genetics and Genomics, ARUP Laboratories
Classification: Benign. Last evaluated: 2024-10-31. Review status: criteria provided, single submitter. Criteria: ARUP Molecular Germline Variant Investigation Process 2024. Collection method: clinical testing. Allele origin: germline.

Mayo Clinic Laboratories, Mayo Clinic
Classification: Benign. Last evaluated: 2022-09-06. Review status: criteria provided, single submitter. Criteria: ACMG Guidelines, 2015. Collection method: clinical testing. Allele origin: germline. Observed: 11 variant alleles.
Comment: BS1, BS2, BP4, BP7

Women's Health and Genetics/Laboratory Corporation of America, LabCorp
Classification: Benign. Last evaluated: 2018-10-08. Review status: criteria provided, single submitter. Criteria: LabCorp Variant Classification Summary - May 2015. Collection method: clinical testing. Allele origin: germline.
Comment: Variant summary: ABCC9 c.2093-7T>C alters a nucleotide located close to a canonical splice site and therefore could affect mRNA splicing, leading to a significantly altered protein sequence. 5/5 computational tools predict no significant impact on normal splicing. However, these predictions have yet to be confirmed by functional studies. The variant allele was found at a frequency of 0.0024 in 277106 control chromosomes in the gnomAD database, including 2 homozygotes. The observed variant frequency is approximately 97.72 fold of the estimated maximal expected allele frequency for a pathogenic variant in ABCC9 causing Cardiomyopathy phenotype (2.5e-05), strongly suggesting that the variant is benign. c.2093-7T>C has been reported in the literature in individuals affected with Cardiomyopathy. These report(s) do not provide unequivocal conclusions about association of the variant with Cardiomyopathy. Co-occurrences with other pathogenic variant(s) have been reported (TNNT2 c.629_631delAGA; Pugh_2014), providing supporting evidence for a benign role. To our knowledge, no experimental evidence demonstrating an impact on protein function has been reported. Three clinical diagnostic laboratories have submitted clinical-significance assessments for this variant to ClinVar after 2014 without evidence for independent evaluation. All laboratories classified the variant as benign/likely benign. Based on the evidence outlined above, the variant was classified as benign.

Phosphorus, Inc.
Classification: Likely benign for Brugada syndrome. Last evaluated: 2017-08-01. Review status: criteria provided, single submitter. Criteria: ACMG Guidelines, 2015. Collection method: clinical testing. Allele origin: germline. Observed: 1 variant allele.

Phosphorus, Inc.
Classification: Likely benign for Hypertrichotic osteochondrodysplasia Cantu type. Last evaluated: 2017-08-01. Review status: criteria provided, single submitter. Criteria: ACMG Guidelines, 2015. Collection method: clinical testing. Allele origin: germline. Observed: 1 variant allele.

Illumina Laboratory Services, Illumina
Classification: Benign for Hypertrichotic osteochondrodysplasia Cantu type. Last evaluated: 2017-04-27. Review status: criteria provided, single submitter. Criteria: ICSL Variant Classification Criteria 13 December 2019. Collection method: clinical testing. Allele origin: germline.
Comment: This variant was observed as part of a predisposition screen in an ostensibly healthy population. A literature search was performed for the gene, cDNA change, and amino acid change (where applicable). No publications were found based on this search. Allele frequency data from public databases was too high to be consistent with this variant causing disease. Therefore, this variant is classified as benign.

Illumina Laboratory Services, Illumina
Classification: Uncertain significance for Dilated cardiomyopathy 1O. Last evaluated: 2017-04-27. Review status: criteria provided, single submitter. Criteria: ICSL Variant Classification Criteria 13 December 2019. Collection method: clinical testing. Allele origin: germline.

CHEO Genetics Diagnostic Laboratory, Children's Hospital of Eastern Ontario
Classification: Benign for Cardiomyopathy. Last evaluated: 2017-03-08. Review status: criteria provided, single submitter. Criteria: ACMG Guidelines, 2015. Collection method: clinical testing. Allele origin: germline. Study: Canadian Open Genetics Repository.

Laboratory for Molecular Medicine, Mass General Brigham Personalized Medicine
Classification: Likely benign. Last evaluated: 2016-08-04. Review status: criteria provided, single submitter. Criteria: LMM Criteria. Collection method: clinical testing. Allele origin: germline. Observed: 14 variant alleles.
Comment: c.2093-7T>C in intron 15 of ABCC9: This variant is not expected to have clinical significance because it has been identified in 0.4% (248/66728) of European chr omosomes, including 2 homozygotes by the Exome Aggregation Consortium (ExAC; dbSNP rs185235724).

GeneDx
Classification: Benign. Last evaluated: 2015-03-03. Review status: criteria provided, single submitter. Criteria: GeneDx Variant Classification Process June 2021. Collection method: clinical testing. Allele origin: germline. Affected: yes.

PreventionGenetics, part of Exact Sciences
Classification: Benign for ABCC9-related condition. Last evaluated: 2020-09-02. Review status: no assertion criteria provided. Collection method: clinical testing. Allele origin: germline. Not counted in ClinVar's aggregate classification.
Comment: This variant is classified as benign based on ACMG/AMP sequence variant interpretation guidelines (Richards et al. 2015 PMID: 25741868, with internal and published modifications).

Diagnostic Laboratory, Department of Genetics, University Medical Center Groningen
Classification: Likely benign. Review status: no assertion criteria provided. Collection method: clinical testing. Allele origin: germline. Affected: yes. Study: VKGL Data-share Consensus. Not counted in ClinVar's aggregate classification.

Genome Diagnostics Laboratory, University Medical Center Utrecht
Classification: Benign. Review status: no assertion criteria provided. Collection method: clinical testing. Allele origin: germline. Affected: yes. Study: VKGL Data-share Consensus. Not counted in ClinVar's aggregate classification.

Literature cited by the submitters: PubMed 24503780 (cited by Women's Health and Genetics/Laboratory Corporation of America, LabCorp and Phosphorus, Inc.).

NM_020297.4(ABCC9):c.2093-7T>C

Gene: ABCC9 (ATP binding cassette subfamily C member 9; minus strand). Cytogenetic location: 12p12.1.
Variant type: single nucleotide variant.
Coding change: c.2093-7T>C on transcript NM_020297.4 (MANE Select); 7 bases into the intron before coding-DNA position 2093, T replaced by C.
Molecular consequence: intron variant.
Genome position (GRCh38, 1-based): chr12:21,872,737, A>G on the plus strand (T>C on the coding strand, the complement: ABCC9 is on the minus strand). VCF-style: chr12-21872737-A-G. GRCh37 (hg19) VCF-style: chr12-22025671-A-G.
Other names: p.?; c.1229-7T>C (NM_001377274.1); c.2093-7T>C (NM_005691.4, NM_001377273.1).
Identifiers: ClinVar variation 45399 (VCV000045399.62), dbSNP rs185235724, ClinGen allele CA136255.
Genomic context (GRCh38, chr12:21,872,737, plus strand): 5'-GGAGAAGAGAGGACTTCCCACATCCTACTTGGCCCACAATCATGGTTAACTGACCTAGGA[A>G]AGCAAAACAAAGGATAACTACAGAATGAGATGGATTCTTGGTGAAATAACATCAAAACAC-3'